The following is an entry in ClinVar:

NM_001161352.2(KCNMA1):c.474G>C (p.Trp158Cys)

Gene: KCNMA1 (potassium calcium-activated channel subfamily M alpha 1; minus strand). Cytogenetic location: 10q22.3.
Variant type: single nucleotide variant.
Coding change: c.474G>C on transcript NM_001161352.2 (MANE Select); coding-DNA position 474, G replaced by C.
Protein change: p.Trp158Cys; replaces tryptophan 158 with cysteine.
Molecular consequence: missense variant. On other transcripts: intron variant (1).
Genome position (GRCh38, 1-based): chr10:77,403,928, C>G on the plus strand (G>C on the coding strand, the complement: KCNMA1 is on the minus strand). VCF-style: chr10-77403928-C-G. GRCh37 (hg19) VCF-style: chr10-79163686-C-G.
Other names: c.474G>C, p.Trp158Cys (NM_001322829.2, NM_001322830.2, NM_001322832.2 and 8 more transcripts); c.379-152672G>C (NM_001271518.2); short protein forms W158C.
Identifiers: ClinVar variation 2840241 (VCV002840241.3), dbSNP rs1453639301, ClinGen allele CA377411065.

ClinVar aggregate classification (germline): Uncertain significance (1 of 4 stars; one submission).

Conditions:
Generalized epilepsy-paroxysmal dyskinesia syndrome (PNKD3). Also called: Generalized epilepsy and paroxysmal dyskinesia; Paroxysmal nonkinesigenic dyskinesia, 3, with or without generalized epilepsy. Identifiers: Orphanet 79137, MedGen C5574945, MONDO:0012276, OMIM 609446.

Allele frequency attached by ClinVar (database versions not stated): gnomAD exomes below 0.00001.
gnomAD v4.1: 1 of 1,614,198 alleles (0.000062%); highest among the groups gnomAD compares: Non-Finnish European, 0.000085%; no homozygotes.

Submission:

Labcorp Genetics (formerly Invitae), Labcorp
Classification: Uncertain significance for Generalized epilepsy-paroxysmal dyskinesia syndrome. Last evaluated: 2023-02-23. Review status: criteria provided, single submitter. Criteria: Invitae Variant Classification Sherloc (09022015). Collection method: clinical testing. Allele origin: germline.
Comment: In summary, the available evidence is currently insufficient to determine the role of this variant in disease. Therefore, it has been classified as a Variant of Uncertain Significance. Advanced modeling of protein sequence and biophysical properties (such as structural, functional, and spatial information, amino acid conservation, physicochemical variation, residue mobility, and thermodynamic stability) performed at Invitae indicates that this missense variant is not expected to disrupt KCNMA1 protein function. This variant has not been reported in the literature in individuals affected with KCNMA1-related conditions. This variant is not present in population databases (gnomAD no frequency). This sequence change replaces tryptophan, which is neutral and slightly polar, with cysteine, which is neutral and slightly polar, at codon 158 of the KCNMA1 protein (p.Trp158Cys).